The following is an entry in ClinVar:

NM_001005361.3(DNM2):c.326C>T (p.Thr109Met)

Gene: DNM2 (dynamin 2; plus strand). Cytogenetic location: 19p13.2.
Variant type: single nucleotide variant.
Coding change: c.326C>T on transcript NM_001005361.3 (MANE Select); coding-DNA position 326, C replaced by T.
Protein change: p.Thr109Met; replaces threonine 109 with methionine.
Molecular consequence: missense variant.
Genome position (GRCh38, 1-based): chr19:10,772,569, C>T. VCF-style: chr19-10772569-C-T. GRCh37 (hg19) VCF-style: chr19-10883245-C-T.
Other names: c.326C>T, p.Thr109Met (NM_001005360.3, NM_001005362.3, NM_001190716.2 and 1 more transcripts); short protein forms T109M.
Identifiers: ClinVar variation 4078510 (VCV004078510.2).

ClinVar aggregate classification (germline): Uncertain significance. Review status: criteria provided, multiple submitters, no conflicts (2 of 4 stars). 2 submissions from 2 submitters: Uncertain significance (2). Last evaluated 2026-01-11.

Conditions:
Charcot-Marie-Tooth disease dominant intermediate B (CMTDIB). Also called: CHARCOT-MARIE-TOOTH NEUROPATHY, DOMINANT INTERMEDIATE B; Charcot-Marie-Tooth disease dominant intermediate 1; CMT DI1; Charcot-Marie-Tooth disease dominant intermediate I. Identifiers: Orphanet 100044, Orphanet 228179, MedGen C1847902, MONDO:0011674, OMIM 606482.

gnomAD v4.1: 2 of 1,614,152 alleles (0.00012%); highest among the groups gnomAD compares: Non-Finnish European, 0.00017%; no homozygotes.

Submissions (2):

Labcorp Genetics (formerly Invitae), Labcorp
Classification: Uncertain significance for Charcot-Marie-Tooth disease dominant intermediate B. Last evaluated: 2026-01-11. Review status: criteria provided, single submitter. Criteria: Invitae Variant Classification Sherloc (09022015). Collection method: clinical testing. Allele origin: germline.
Comment: This sequence change replaces threonine, which is neutral and polar, with methionine, which is neutral and non-polar, at codon 109 of the DNM2 protein (p.Thr109Met). This variant is not present in population databases (gnomAD no frequency). This variant has not been reported in the literature in individuals affected with DNM2-related conditions. ClinVar contains an entry for this variant (Variation ID: 4078510). Invitae Evidence Modeling of protein sequence and biophysical properties (such as structural, functional, and spatial information, amino acid conservation, physicochemical variation, residue mobility, and thermodynamic stability) indicates that this missense variant is expected to disrupt DNM2 protein function with a positive predictive value of 80%. In summary, the available evidence is currently insufficient to determine the role of this variant in disease. Therefore, it has been classified as a Variant of Uncertain Significance.

Revvity Omics, Revvity
Classification: Uncertain significance. Last evaluated: 2024-08-23. Review status: criteria provided, single submitter. Criteria: ACMG Guidelines, 2015. Collection method: clinical testing. Allele origin: germline.